The following is an entry in ClinVar:

ClinVar aggregate classification (germline): Uncertain significance (1 of 4 stars; one submission).

Allele frequency attached by ClinVar (database versions not stated): TOPMed 0.00001; ExAC 0.00002; gnomAD exomes 0.00002; gnomAD 0.00003.
gnomAD v4.1: 30 of 1,613,474 alleles (0.0019%); highest among the groups gnomAD compares: Non-Finnish European, 0.0023%; no homozygotes.

Submission:

Labcorp Genetics (formerly Invitae), Labcorp
Classification: Uncertain significance. Last evaluated: 2024-10-07. Review status: criteria provided, single submitter. Criteria: Invitae Variant Classification Sherloc (09022015). Collection method: clinical testing. Allele origin: germline.
Comment: This sequence change replaces valine, which is neutral and non-polar, with methionine, which is neutral and non-polar, at codon 510 of the CEP152 protein (p.Val510Met). This variant is present in population databases (rs758484832, gnomAD 0.002%). This variant has not been reported in the literature in individuals affected with CEP152-related conditions. ClinVar contains an entry for this variant (Variation ID: 1940638). Invitae Evidence Modeling of protein sequence and biophysical properties (such as structural, functional, and spatial information, amino acid conservation, physicochemical variation, residue mobility, and thermodynamic stability) indicates that this missense variant is not expected to disrupt CEP152 protein function with a negative predictive value of 80%. In summary, the available evidence is currently insufficient to determine the role of this variant in disease. Therefore, it has been classified as a Variant of Uncertain Significance.

NM_001194998.2(CEP152):c.1528G>A (p.Val510Met)

Gene: CEP152 (centrosomal protein 152; minus strand). Cytogenetic location: 15q21.1.
Variant type: single nucleotide variant.
Coding change: c.1528G>A on transcript NM_001194998.2 (MANE Select); coding-DNA position 1528, G replaced by A.
Protein change: p.Val510Met; replaces valine 510 with methionine.
Molecular consequence: missense variant.
Genome position (GRCh38, 1-based): chr15:48,781,245, C>T on the plus strand (G>A on the coding strand, the complement: CEP152 is on the minus strand). VCF-style: chr15-48781245-C-T. GRCh37 (hg19) VCF-style: chr15-49073442-C-T.
Other names: c.1528G>A, p.Val510Met (NM_014985.4); short protein forms V510M.
Identifiers: ClinVar variation 1940638 (VCV001940638.4), dbSNP rs758484832, ClinGen allele CA7548818.